The following is an entry in ClinVar:

ClinVar aggregate classification (germline): Likely pathogenic (1 of 4 stars; one submission).

Submission:

GeneDx
Classification: Likely pathogenic. Last evaluated: 2025-08-31. Review status: criteria provided, single submitter. Criteria: GeneDx Variant Classification Process June 2021. Collection method: clinical testing. Allele origin: germline. Affected: yes.
Comment: Not observed at significant frequency in large population cohorts (gnomAD); In silico analysis supports that this missense variant has a deleterious effect on protein structure/function; Has not been previously published as pathogenic or benign to our knowledge; This variant is associated with the following publications: (PMID: 12499378, 11183182)

NM_181486.4(TBX5):c.506G>A (p.Gly169Glu)

Gene: TBX5 (T-box transcription factor 5; minus strand). Cytogenetic location: 12q24.21.
Variant type: single nucleotide variant.
Coding change: c.506G>A on transcript NM_181486.4 (MANE Select); coding-DNA position 506, G replaced by A.
Protein change: p.Gly169Glu; replaces glycine 169 with glutamic acid.
Molecular consequence: missense variant.
Genome position (GRCh38, 1-based): chr12:114,398,577, C>T on the plus strand (G>A on the coding strand, the complement: TBX5 is on the minus strand). VCF-style: chr12-114398577-C-T. GRCh37 (hg19) VCF-style: chr12-114836382-C-T.
Other names: c.506G>A, p.Gly169Glu (NM_000192.3); c.356G>A, p.Gly119Glu (NM_080717.4); short protein forms G119E, G169E.
Identifiers: ClinVar variation 2574382 (VCV002574382.2), dbSNP rs2540471325, ClinGen allele CA386861945.
Genomic context (GRCh38, chr12:114,398,577, plus strand): 5'-GAAGGGAGAGAGGACAAGAGGGAGACAAGGCGGGGAATCCAGGCCACGGTACTCACATGC[C>T]CAAATGGGTCCAGGTGGTTGTTGGTGAGCTTGAGTTTCTGGAAGGAGACGAGCTGCCTCA-3'
Protein context (NP_852259.1, residues 159-179): KLTNNHLDPF[Gly169Glu]HIILNSMHKY